The following is an entry in ClinVar:

ClinVar aggregate classification (germline): Uncertain significance (1 of 4 stars; one submission).

gnomAD v4.1: 17 of 851,282 alleles (0.002%); highest among the groups gnomAD compares: Non-Finnish European, 0.0016%; no homozygotes.

Submission:

CeGaT Center for Human Genetics Tuebingen
Classification: Uncertain significance. Last evaluated: 2025-05-01. Review status: criteria provided, single submitter. Criteria: CeGaT Center For Human Genetics Tuebingen Variant Classification Criteria Version 2. Collection method: clinical testing. Allele origin: germline. Affected: yes. Observed: 1 variant allele.
Comment: MSTO1: PM2

NM_018116.4(MSTO1):c.104C>G (p.Ala35Gly)

Gene: MSTO1 (misato mitochondrial distribution and morphology regulator 1; plus strand). Cytogenetic location: 1q22.
Variant type: single nucleotide variant.
Coding change: c.104C>G on transcript NM_018116.4 (MANE Select); coding-DNA position 104, C replaced by G.
Protein change: p.Ala35Gly; replaces alanine 35 with glycine.
Molecular consequence: missense variant. On other transcripts: 5 prime UTR variant (14), non-coding transcript variant (6).
Genome position (GRCh38, 1-based): chr1:155,610,444, C>G. VCF-style: chr1-155610444-C-G. GRCh37 (hg19) VCF-style: chr1-155580235-C-G.
Other names: c.104C>G, p.Ala35Gly (NM_001256532.1, NM_001256533.1, NM_001350772.1 and 3 more transcripts); c.-184C>G (NM_001350776.1); c.-453C>G (NM_001350777.1, NM_001350779.1); c.-517C>G (NM_001350778.1); c.-569C>G (NM_001350780.1); c.-970C>G (NM_001350781.1); c.-495C>G (NM_001350782.1, NM_001350783.1, NM_001350786.1 and 1 more transcripts); c.-502C>G (NM_001350784.1, NM_001350787.1); and 2 more; short protein forms A35G.
Identifiers: ClinVar variation 3905452 (VCV003905452.10).